The following is an entry in ClinVar:

NM_002476.2(MYL4):c.137T>C (p.Ile46Thr)

Gene: MYL4 (myosin light chain 4; plus strand). Cytogenetic location: 17q21.32.
Variant type: single nucleotide variant.
Coding change: c.137T>C on transcript NM_002476.2 (MANE Select); coding-DNA position 137, T replaced by C.
Protein change: p.Ile46Thr; replaces isoleucine 46 with threonine.
Molecular consequence: missense variant.
Genome position (GRCh38, 1-based): chr17:47,213,800, T>C. VCF-style: chr17-47213800-T-C. GRCh37 (hg19) VCF-style: chr17-45291166-T-C.
Other names: c.137T>C, p.Ile46Thr (NM_001002841.2); short protein forms I46T.
Identifiers: ClinVar variation 938781 (VCV000938781.11), dbSNP rs1335950112, ClinGen allele CA400032045.
Genomic context (GRCh38, chr17:47,213,800, plus strand): 5'-GGGGCCTTTACAACTGCTTTTAGCAATCCAAGCCCTCACTACTATTTCCCTCCCTACAGA[T>C]AGACTTCACTGCCGACCAGATTGAAGGTGAGTATGGACAACCCCACCTCTCCGTCTCTAT-3'
Protein context (NP_002467.1, residues 36-56): EPAFDPKSVK[Ile46Thr]DFTADQIEEF

ClinVar aggregate classification (germline): Uncertain significance. Review status: criteria provided, multiple submitters, no conflicts (2 of 4 stars). 2 submissions from 2 submitters: Uncertain significance (2). Last evaluated 2025-08-29.

Conditions:
Atrial fibrillation, familial, 18 (ATFB18). Identifiers: MedGen C4310636, MONDO:0015001, OMIM 617280.

gnomAD v4.1: 6 of 1,613,980 alleles (0.00037%); highest among the groups gnomAD compares: African/African-American, 0.0013%; no homozygotes.

Submissions (2):

Labcorp Genetics (formerly Invitae), Labcorp
Classification: Uncertain significance for Atrial fibrillation, familial, 18. Last evaluated: 2025-08-29. Review status: criteria provided, single submitter. Criteria: Invitae Variant Classification Sherloc (09022015). Collection method: clinical testing. Allele origin: germline.
Comment: This sequence change replaces isoleucine, which is neutral and non-polar, with threonine, which is neutral and polar, at codon 46 of the MYL4 protein (p.Ile46Thr). This variant is not present in population databases (gnomAD no frequency). This variant has not been reported in the literature in individuals affected with MYL4-related conditions. ClinVar contains an entry for this variant (Variation ID: 938781). An algorithm developed to predict the effect of missense changes on protein structure and function (PolyPhen-2) suggests that this variant is likely to be tolerated. In summary, the available evidence is currently insufficient to determine the role of this variant in disease. Therefore, it has been classified as a Variant of Uncertain Significance.

Ambry Genetics
Classification: Uncertain significance. Last evaluated: 2023-06-16. Review status: criteria provided, single submitter. Criteria: Ambry Variant Classification Scheme 2023. Collection method: clinical testing. Allele origin: germline.